The following is an entry in ClinVar:

NM_018051.5(DYNC2I1):c.2768C>A (p.Pro923Gln)

Gene: DYNC2I1 (dynein 2 intermediate chain 1; plus strand). Cytogenetic location: 7q36.3.
Variant type: single nucleotide variant.
Coding change: c.2768C>A on transcript NM_018051.5 (MANE Select); coding-DNA position 2768, C replaced by A.
Protein change: p.Pro923Gln; replaces proline 923 with glutamine.
Molecular consequence: missense variant.
Genome position (GRCh38, 1-based): chr7:158,934,539, C>A. VCF-style: chr7-158934539-C-A. GRCh37 (hg19) VCF-style: chr7-158727230-C-A.
Other names: c.2630C>A, p.Pro877Gln (NM_001350914.2); c.2195C>A, p.Pro732Gln (NM_001350915.2); c.1307C>A, p.Pro436Gln (NM_001350916.2); c.1520C>A, p.Pro507Gln (NM_001350917.2, NM_001350918.2); short protein forms P923Q, P877Q, P436Q, P732Q, P507Q.
Identifiers: ClinVar variation 541526 (VCV000541526.21), dbSNP rs73167274, ClinGen allele CA4595080.
Genomic context (GRCh38, chr7:158,934,539, plus strand): 5'-AGCAACATGGTATAAGACCAGTGAAAGTTAATGTCATTGATTTTTCACCATTTGGAGAAC[C>A]AATATTTTTGGTAAGAAAGTTTGTTTTTCAGAGCTCCAATTCTTCTTTTTTTGTTTTTTG-3'
Protein context (NP_060521.4, residues 913-933): NVIDFSPFGE[Pro923Gln]IFLAGCSDGS

ClinVar aggregate classification (germline): Conflicting classifications of pathogenicity. Review status: criteria provided, conflicting classifications (1 of 4 stars). 6 submissions from 6 submitters: Uncertain significance (1); Likely benign (4). 1 of the submissions does not count toward it. Last evaluated 2026-03-01.

Conditions:
Inborn genetic diseases. Identifiers: MedGen C0950123, MeSH D030342.
Short-rib thoracic dysplasia 8 with or without polydactyly (SRTD8). Also called: SHORT-RIB THORACIC DYSPLASIA 8 WITH POLYDACTYLY. Identifiers: Orphanet 93271, MedGen C3809691, MONDO:0014214, OMIM 615503.
DYNC2I1-related disorder. Also called: DYNC2I1-related condition.

Allele frequency attached by ClinVar (database versions not stated): 1000 Genomes Project 0.00120; 1000 Genomes Project 30x 0.00141; ExAC 0.00238; TOPMed 0.00238; gnomAD exomes 0.00251 and 0.00295; gnomAD 0.00262 and 0.00265; ESP Exome Variant Server 0.00281.
gnomAD v4.1: 4,524 of 1,551,660 alleles (0.29%); highest among the groups gnomAD compares: Non-Finnish European, 0.33%; 14 homozygotes.

Submissions (6):

CeGaT Center for Human Genetics Tuebingen
Classification: Likely benign. Last evaluated: 2026-03-01. Review status: criteria provided, single submitter. Criteria: CeGaT Center For Human Genetics Tuebingen Variant Classification Criteria Version 2. Collection method: clinical testing. Allele origin: germline. Affected: yes. Observed: 1 variant allele.
Comment: DYNC2I1: BP4, BS2

Labcorp Genetics (formerly Invitae), Labcorp
Classification: Likely benign for Short-rib thoracic dysplasia 8 with or without polydactyly. Last evaluated: 2026-01-15. Review status: criteria provided, single submitter. Criteria: Invitae Variant Classification Sherloc (09022015). Collection method: clinical testing. Allele origin: germline.

Ambry Genetics
Classification: Uncertain significance for Inborn genetic diseases. Last evaluated: 2025-08-15. Review status: criteria provided, single submitter. Criteria: Ambry Variant Classification Scheme 2023. Collection method: clinical testing. Allele origin: germline.

Blueprint Genetics
Classification: Likely benign. Last evaluated: 2024-11-04. Review status: criteria provided, single submitter. Criteria: ACMG Guidelines, 2015. Collection method: clinical testing. Allele origin: germline.

Breakthrough Genomics
Classification: Likely benign. Review status: criteria provided, single submitter. Criteria: ACMG Guidelines, 2015. Collection method: not provided. Allele origin: germline. Inheritance: Autosomal recessive inheritance. Affected: yes.

PreventionGenetics, part of Exact Sciences
Classification: Likely benign for DYNC2I1-related condition. Last evaluated: 2020-10-22. Review status: no assertion criteria provided. Collection method: clinical testing. Allele origin: germline. Not counted in ClinVar's aggregate classification.
Comment: This variant is classified as likely benign based on ACMG/AMP sequence variant interpretation guidelines (Richards et al. 2015 PMID: 25741868, with internal and published modifications).